The following is an entry in ClinVar:

ClinVar aggregate classification (germline): Uncertain significance (1 of 4 stars; one submission).

Conditions:
Emery-Dreifuss muscular dystrophy 5, autosomal dominant (EDMD5). Also called: EMERY-DREIFUSS MUSCULAR DYSTROPHY 5. Identifiers: Orphanet 261, MedGen C2751805, MONDO:0013072, OMIM 612999.

Submission:

Labcorp Genetics (formerly Invitae), Labcorp
Classification: Uncertain significance for Emery-Dreifuss muscular dystrophy 5, autosomal dominant. Last evaluated: 2020-04-01. Review status: criteria provided, single submitter. Criteria: Invitae Variant Classification Sherloc (09022015). Collection method: clinical testing. Allele origin: germline.
Comment: In summary, the available evidence is currently insufficient to determine the role of this variant in disease. Therefore, it has been classified as a Variant of Uncertain Significance. Algorithms developed to predict the effect of missense changes on protein structure and function are either unavailable or do not agree on the potential impact of this missense change (SIFT: "Deleterious"; PolyPhen-2: "Probably Damaging"; Align-GVGD: "Class C0"). This variant has not been reported in the literature in individuals with SYNE2-related conditions. This variant is not present in population databases (ExAC no frequency). This sequence change replaces glutamic acid with lysine at codon 5142 of the SYNE2 protein (p.Glu5142Lys). The glutamic acid residue is highly conserved and there is a small physicochemical difference between glutamic acid and lysine.

NM_182914.3(SYNE2):c.15424G>A (p.Glu5142Lys)

Gene: SYNE2 (spectrin repeat containing nuclear envelope protein 2; plus strand). Cytogenetic location: 14q23.2.
Variant type: single nucleotide variant.
Coding change: c.15424G>A on transcript NM_182914.3 (MANE Select); coding-DNA position 15424, G replaced by A.
Protein change: p.Glu5142Lys; replaces glutamic acid 5142 with lysine.
Molecular consequence: missense variant.
Genome position (GRCh38, 1-based): chr14:64,143,889, G>A. VCF-style: chr14-64143889-G-A. GRCh37 (hg19) VCF-style: chr14-64610607-G-A.
Other names: c.15424G>A, p.Glu5142Lys (NM_015180.6); short protein forms E5142K.
Identifiers: ClinVar variation 1021950 (VCV001021950.8), dbSNP rs777915070, ClinGen allele CA389943987.